The following is an entry in ClinVar:

NM_004064.5(CDKN1B):c.252G>C (p.Leu84Phe)

Gene: CDKN1B (cyclin dependent kinase inhibitor 1B; plus strand). Cytogenetic location: 12p13.1.
Variant type: single nucleotide variant.
Coding change: c.252G>C on transcript NM_004064.5 (MANE Select); coding-DNA position 252, G replaced by C.
Protein change: p.Leu84Phe; replaces leucine 84 with phenylalanine.
Molecular consequence: missense variant.
Genome position (GRCh38, 1-based): chr12:12,718,091, G>C. VCF-style: chr12-12718091-G-C. GRCh37 (hg19) VCF-style: chr12-12871025-G-C.
Other names: short protein forms L84F.
Identifiers: ClinVar variation 821437 (VCV000821437.7), dbSNP rs778436220, ClinGen allele CA6457425.

ClinVar aggregate classification (germline): Uncertain significance. Review status: criteria provided, multiple submitters, no conflicts (2 of 4 stars). 2 submissions from 2 submitters: Uncertain significance (2). Last evaluated 2024-04-29.

Conditions:
Multiple endocrine neoplasia type 4. Also called: MULTIPLE ENDOCRINE NEOPLASIA, TYPE IV. Identifiers: Orphanet 276152, MedGen C1970712, MONDO:0012552, OMIM 610755.
Hereditary cancer-predisposing syndrome. Also called: Hereditary Cancer Syndrome; Neoplastic Syndromes, Hereditary; Hereditary neoplastic syndrome; Tumor predisposition. Identifiers: Orphanet 140162, MedGen C0027672, MeSH D009386, MONDO:0015356.

Allele frequency attached by ClinVar (database versions not stated): ExAC 0.00001; gnomAD exomes 0.00001.
gnomAD v4.1: 21 of 1,614,216 alleles (0.0013%); highest among the groups gnomAD compares: East Asian, 0.0022%; no homozygotes.

Submissions (2):

Labcorp Genetics (formerly Invitae), Labcorp
Classification: Uncertain significance for Multiple endocrine neoplasia type 4. Last evaluated: 2024-04-29. Review status: criteria provided, single submitter. Criteria: Invitae Variant Classification Sherloc (09022015). Collection method: clinical testing. Allele origin: germline.
Comment: This sequence change replaces leucine, which is neutral and non-polar, with phenylalanine, which is neutral and non-polar, at codon 84 of the CDKN1B protein (p.Leu84Phe). This variant is present in population databases (rs778436220, gnomAD 0.002%). This variant has not been reported in the literature in individuals affected with CDKN1B-related conditions. ClinVar contains an entry for this variant (Variation ID: 821437). An algorithm developed to predict the effect of missense changes on protein structure and function (PolyPhen-2) suggests that this variant is likely to be disruptive. In summary, the available evidence is currently insufficient to determine the role of this variant in disease. Therefore, it has been classified as a Variant of Uncertain Significance.

Ambry Genetics
Classification: Uncertain significance for Hereditary cancer-predisposing syndrome. Last evaluated: 2024-03-29. Review status: criteria provided, single submitter. Criteria: Ambry Variant Classification Scheme 2023. Collection method: clinical testing. Allele origin: germline.
Comment: The p.L84F variant (also known as c.252G>C), located in coding exon 1 of the CDKN1B gene, results from a G to C substitution at nucleotide position 252. The leucine at codon 84 is replaced by phenylalanine, an amino acid with highly similar properties. This amino acid position is highly conserved through mammals but not in all available vertebrate species. In addition, the in silico prediction for this alteration is inconclusive. Since supporting evidence is limited at this time, the clinical significance of this alteration remains unclear.